The following is an entry in ClinVar:

NM_182931.3(KMT2E):c.1737A>G (p.Arg579=)

Gene: KMT2E (lysine methyltransferase 2E (inactive); plus strand). Cytogenetic location: 7q22.3.
Variant type: single nucleotide variant.
Coding change: c.1737A>G on transcript NM_182931.3 (MANE Select); coding-DNA position 1737, A replaced by G.
Protein change: p.Arg579=; no amino-acid change (arginine 579 retained).
Molecular consequence: synonymous variant.
Genome position (GRCh38, 1-based): chr7:105,101,439, A>G. VCF-style: chr7-105101439-A-G. GRCh37 (hg19) VCF-style: chr7-104741886-A-G.
Other names: c.1737A>G, p.Arg579= (NM_001410908.1, NM_018682.4).
Identifiers: ClinVar variation 4998282 (VCV004998282.1).

ClinVar aggregate classification (germline): Likely benign (1 of 4 stars; one submission).

Conditions:
KMT2E-related disorder. Also called: KMT2E-related condition.

Submission:

PreventionGenetics, part of Exact Sciences
Classification: Likely benign for KMT2E-related condition. Last evaluated: 2024-11-22. Review status: criteria provided, single submitter. Criteria: ACMG Guidelines, 2015. Collection method: clinical testing. Allele origin: germline.
Comment: This variant is classified as likely benign based on ACMG/AMP sequence variant interpretation guidelines (Richards et al. 2015 PMID: 25741868, with internal and published modifications).